The following is an entry in ClinVar:

NM_006267.5(RANBP2):c.5298G>T (p.Glu1766Asp)

Gene: RANBP2 (RAN binding protein 2; plus strand). Cytogenetic location: 2q13.
Variant type: single nucleotide variant.
Coding change: c.5298G>T on transcript NM_006267.5 (MANE Select); coding-DNA position 5298, G replaced by T.
Protein change: p.Glu1766Asp; replaces glutamic acid 1766 with aspartic acid.
Molecular consequence: missense variant.
Genome position (GRCh38, 1-based): chr2:108,765,837, G>T. VCF-style: chr2-108765837-G-T. GRCh37 (hg19) VCF-style: chr2-109382293-G-T.
Other names: short protein forms E1766D.
Identifiers: ClinVar variation 939577 (VCV000939577.10), dbSNP rs140653325, ClinGen allele CA1823257.

ClinVar aggregate classification (germline): Uncertain significance (1 of 4 stars; one submission).

Conditions:
Familial acute necrotizing encephalopathy (IIAE3). Also called: ENCEPHALOPATHY, ACUTE, INFECTION-INDUCED, SUSCEPTIBILITY TO, 3; Susceptibility to Acute Necrotizing Encephalopathy 1. Identifiers: Orphanet 88619, MedGen C2675556, MONDO:0011953, OMIM 608033.

Allele frequency attached by ClinVar (database versions not stated): TOPMed 0.00003; gnomAD 0.00006; ESP Exome Variant Server 0.00015.
gnomAD v4.1: 23 of 1,614,062 alleles (0.0014%); highest among the groups gnomAD compares: African/African-American, 0.027%; no homozygotes.

Submission:

Labcorp Genetics (formerly Invitae), Labcorp
Classification: Uncertain significance for Familial acute necrotizing encephalopathy. Last evaluated: 2024-03-04. Review status: criteria provided, single submitter. Criteria: Invitae Variant Classification Sherloc (09022015). Collection method: clinical testing. Allele origin: germline.
Comment: This sequence change replaces glutamic acid, which is acidic and polar, with aspartic acid, which is acidic and polar, at codon 1766 of the RANBP2 protein (p.Glu1766Asp). This variant is present in population databases (rs140653325, gnomAD 0.01%). This variant has not been reported in the literature in individuals affected with RANBP2-related conditions. ClinVar contains an entry for this variant (Variation ID: 939577). Algorithms developed to predict the effect of missense changes on protein structure and function output the following: SIFT: "Not Available"; PolyPhen-2: "Benign"; Align-GVGD: "Not Available". The aspartic acid amino acid residue is found in multiple mammalian species, which suggests that this missense change does not adversely affect protein function. In summary, the available evidence is currently insufficient to determine the role of this variant in disease. Therefore, it has been classified as a Variant of Uncertain Significance.